The following is an entry in ClinVar:

NM_001375524.1(TRRAP):c.6131A>G (p.Glu2044Gly)

Gene: TRRAP (transformation/transcription domain associated protein; plus strand). Cytogenetic location: 7q22.1.
Variant type: single nucleotide variant.
Coding change: c.6131A>G on transcript NM_001375524.1 (MANE Select); coding-DNA position 6131, A replaced by G.
Protein change: p.Glu2044Gly; replaces glutamic acid 2044 with glycine.
Molecular consequence: missense variant.
Genome position (GRCh38, 1-based): chr7:98,956,433, A>G. VCF-style: chr7-98956433-A-G. GRCh37 (hg19) VCF-style: chr7-98554056-A-G.
Other names: c.6110A>G, p.Glu2037Gly (NM_001244580.2); c.6056A>G, p.Glu2019Gly (NM_003496.4); short protein forms E2019G, E2037G, E2044G.
Identifiers: ClinVar variation 2657704 (VCV002657704.24), dbSNP rs1003551488, ClinGen allele CA163092839.
Genomic context (GRCh38, chr7:98,956,433, plus strand): 5'-AAACCAAGCGCCTGTGTGTTTTTAAGCCGGATTCAGATATGGACCCAAATTCCAGTGGAG[A>G]AGGAGTCAATTCTGTCTCATCCTCCATTAAGAGAGGCCTGTCCGTGGATTCTGCCCAGGA-3'
Protein context (NP_001362453.1, residues 2034-2054): DSDMDPNSSG[Glu2044Gly]GVNSVSSSIK

ClinVar aggregate classification (germline): Uncertain significance (1 of 4 stars; one submission).

Submission:

CeGaT Center for Human Genetics Tuebingen
Classification: Uncertain significance. Last evaluated: 2022-07-01. Review status: criteria provided, single submitter. Criteria: CeGaT Center For Human Genetics Tuebingen Variant Classification Criteria Version 2. Collection method: clinical testing. Allele origin: germline. Affected: yes. Observed: 1 variant allele.
Comment: TRRAP: PM2, BP4